The following is an entry in ClinVar:

ClinVar aggregate classification (germline): Uncertain significance (1 of 4 stars; one submission).

Allele frequency attached by ClinVar (database versions not stated): gnomAD exomes below 0.00001.
gnomAD v4.1: 1 of 1,614,084 alleles (0.000062%); highest among the groups gnomAD compares: Non-Finnish European, 0.000085%; no homozygotes.

Submission:

Labcorp Genetics (formerly Invitae), Labcorp
Classification: Uncertain significance. Last evaluated: 2023-10-05. Review status: criteria provided, single submitter. Criteria: Invitae Variant Classification Sherloc (09022015). Collection method: clinical testing. Allele origin: germline.
Comment: This sequence change falls in intron 4 of the BEST1 gene. It does not directly change the encoded amino acid sequence of the BEST1 protein. This variant is not present in population databases (gnomAD no frequency). This variant has not been reported in the literature in individuals affected with BEST1-related conditions. Algorithms developed to predict the effect of sequence changes on RNA splicing suggest that this variant may disrupt the consensus splice site. In summary, the available evidence is currently insufficient to determine the role of this variant in disease. Therefore, it has been classified as a Variant of Uncertain Significance.

NM_004183.4(BEST1):c.482-8C>G

Gene: BEST1 (bestrophin 1; plus strand). Cytogenetic location: 11q12.3.
Variant type: single nucleotide variant.
Coding change: c.482-8C>G on transcript NM_004183.4 (MANE Select); 8 bases into the intron before coding-DNA position 482, C replaced by G.
Molecular consequence: intron variant.
Genome position (GRCh38, 1-based): chr11:61,956,836, C>G. VCF-style: chr11-61956836-C-G. GRCh37 (hg19) VCF-style: chr11-61724308-C-G.
Other names: c.482-8C>G (NM_001363592.2, NM_001440571.1, NM_001440572.1 and 1 more transcripts); c.302-8C>G (NM_001139443.3, NM_001300787.2, NM_001440574.1 and 3 more transcripts); c.-694-8C>G (NM_001363593.3); c.164-8C>G (NM_001363591.3).
Identifiers: ClinVar variation 2779503 (VCV002779503.3), dbSNP rs1941420611, ClinGen allele CA2613926602.